The following is an entry in ClinVar:

NM_001080414.4(CCDC88C):c.2633G>A (p.Arg878His)

Gene: CCDC88C (coiled-coil and HOOK domain protein 88C; minus strand). Cytogenetic location: 14q32.11.
Variant type: single nucleotide variant.
Coding change: c.2633G>A on transcript NM_001080414.4 (MANE Select); coding-DNA position 2633, G replaced by A.
Protein change: p.Arg878His; replaces arginine 878 with histidine.
Molecular consequence: missense variant. On other transcripts: non-coding transcript variant (2).
Genome position (GRCh38, 1-based): chr14:91,313,183, C>T on the plus strand (G>A on the coding strand, the complement: CCDC88C is on the minus strand). VCF-style: chr14-91313183-C-T. GRCh37 (hg19) VCF-style: chr14-91779527-C-T.
Other names: short protein forms R878H.
Identifiers: ClinVar variation 4607143 (VCV004607143.2).

ClinVar aggregate classification (germline): Uncertain significance. Review status: criteria provided, multiple submitters, no conflicts (2 of 4 stars). 2 submissions from 2 submitters: Uncertain significance (2). Last evaluated 2026-03-05.

Conditions:
Inborn genetic diseases. Identifiers: MedGen C0950123, MeSH D030342.

gnomAD v4.1: 72 of 1,612,874 alleles (0.0045%); highest among the groups gnomAD compares: African/African-American, 0.008%; no homozygotes.

Submissions (2):

Women's Health and Genetics/Laboratory Corporation of America, LabCorp
Classification: Uncertain significance. Last evaluated: 2026-03-05. Review status: criteria provided, single submitter. Criteria: LabCorp Variant Classification Summary - May 2015. Collection method: clinical testing. Allele origin: germline.
Comment: Variant summary: CCDC88C c.2633G>A (p.Arg878His) results in a non-conservative amino acid change in the encoded protein sequence. Algorithms developed to predict the effect of missense changes on protein structure and function are either unavailable or do not agree on the potential impact of this missense change. The variant allele was found at a frequency of 3.2e-05 in 248848 control chromosomes. The available data on variant occurrences in the general population are insufficient to allow any conclusion about variant significance. To our knowledge, no occurrence of c.2633G>A in individuals affected with CCDC88C-related conditions and no experimental evidence demonstrating its impact on protein function have been reported. ClinVar contains an entry for this variant (Variation ID: 4607143). Based on the evidence outlined above, the variant was classified as uncertain significance.

Ambry Genetics
Classification: Uncertain significance for Inborn genetic diseases. Last evaluated: 2025-10-23. Review status: criteria provided, single submitter. Criteria: Ambry Variant Classification Scheme 2023. Collection method: clinical testing. Allele origin: germline.